The following is an entry in ClinVar:

ClinVar aggregate classification (germline): Pathogenic/Likely pathogenic. Review status: criteria provided, multiple submitters, no conflicts (2 of 4 stars). 9 submissions from 9 submitters: Pathogenic (5); Likely pathogenic (3). 1 of the submissions does not count toward it. Last evaluated 2025-02-19.

Conditions:
Breast-ovarian cancer, familial, susceptibility to, 5 (BROVCA5). Identifiers: MedGen C5830615, MONDO:0957530, OMIM 620442.
Hereditary cancer-predisposing syndrome. Also called: Neoplastic Syndromes, Hereditary; Hereditary Cancer Syndrome; Hereditary neoplastic syndrome; Tumor predisposition. Identifiers: Orphanet 140162, MedGen C0027672, MeSH D009386, MONDO:0015356.
Hereditary breast ovarian cancer syndrome. Also called: Breast and ovarian cancer; Hereditary breast and ovarian cancer syndrome; Hereditary breast and ovarian cancer syndrome (HBOC); Hereditary breast and/or ovarian cancer syndrome; Hereditary breast and ovarian cancer; BRCA1- and BRCA2-Associated Hereditary Breast and Ovarian Cancer. Identifiers: Orphanet 145, MedGen C0677776, MeSH D061325, MONDO:0003582. Disease mechanism: loss of function.
Familial cancer of breast. Also called: BREAST CANCER, FAMILIAL; Hereditary breast cancer; hereditary breast carcinoma. Identifiers: Orphanet 227535, MedGen C0346153, MONDO:0016419, OMIM 114480. Disease mechanism: loss of function.

Submissions (9):

Labcorp Genetics (formerly Invitae), Labcorp
Classification: Pathogenic for Familial cancer of breast. Last evaluated: 2025-02-19. Review status: criteria provided, single submitter. Criteria: Invitae Variant Classification Sherloc (09022015). Collection method: clinical testing. Allele origin: germline.
Comment: This sequence change creates a premature translational stop signal (p.Thr274Asnfs*9) in the PALB2 gene. It is expected to result in an absent or disrupted protein product. Loss-of-function variants in PALB2 are known to be pathogenic (PMID: 17200668, 17200671, 17200672, 24136930, 25099575). This variant is not present in population databases (gnomAD no frequency). This premature translational stop signal has been observed in individual(s) with features of hereditary breast and ovarian cancer syndrome (PMID: 30287823, 32566746). ClinVar contains an entry for this variant (Variation ID: 545758). For these reasons, this variant has been classified as Pathogenic.

Ambry Genetics
Classification: Pathogenic for Hereditary cancer-predisposing syndrome. Last evaluated: 2025-01-21. Review status: criteria provided, single submitter. Criteria: Ambry Variant Classification Scheme 2023. Collection method: clinical testing. Allele origin: germline.
Comment: The c.820dupA pathogenic mutation, located in coding exon 4 of the PALB2 gene, results from a duplication of A at nucleotide position 820, causing a translational frameshift with a predicted alternate stop codon (p.T274Nfs*9). This alteration has been reported with a carrier frequency of 0.00014 in 7051 unselected breast cancer patients and 0 in 11241 female controls of Japanese ancestry (Momozawa et al. Nat Commun 2018 10;9(1):4083). This variant is considered to be rare based on population cohorts in the Genome Aggregation Database (gnomAD). In addition to the clinical data presented in the literature, this alteration is expected to result in loss of function by premature protein truncation or nonsense-mediated mRNA decay. As such, this alteration is interpreted as a disease-causing mutation.

GeneDx
Classification: Pathogenic. Last evaluated: 2024-12-23. Review status: criteria provided, single submitter. Criteria: GeneDx Variant Classification Process June 2021. Collection method: clinical testing. Allele origin: germline. Affected: yes.
Comment: Identified in individuals with a personal history of breast cancer (PMID: 30287823, 32566746); Frameshift variant predicted to result in protein truncation or nonsense mediated decay in a gene for which loss of function is a known mechanism of disease; Truncating variants in this gene are considered pathogenic by a well-established clinical consortium and/or database; Not observed at significant frequency in large population cohorts (gnomAD); This variant is associated with the following publications: (PMID: 30287823, 32566746)

Laboratory for Molecular Medicine, Mass General Brigham Personalized Medicine
Classification: Likely pathogenic for Hereditary breast ovarian cancer syndrome. Last evaluated: 2023-12-12. Review status: criteria provided, single submitter. Criteria: ACMG Guidelines, 2015. Collection method: clinical testing. Allele origin: germline. Inheritance: Autosomal dominant inheritance.
Comment: The p.Thr274AsnfsX9 variant in PALB2 has been reported in at least 1 individual with a PALB2-associated cancer, such as breast cancer (Momozawa 2018 PMID: 30287823, Kaneyasu 2020 PMID: 32566746). This variant has also been reported by other clinical laboratories in ClinVar (Variation ID 545758) and was absent from large population studies. This variant is predicted to cause a frameshift, which alters the protein’s amino acid sequence beginning at position 274 and leads to a premature termination codon 9 amino acids downstream. This alteration is then predicted to lead to a truncated or absent protein. Heterozygous loss of function of the PALB2 gene is an established disease mechanism in autosomal dominant PALB2-associated cancers, including breast cancer. In the compound heterozygous or homozygous state, these variants are associated with autosomal recessive Fanconi anemia. In summary, although additional studies are required to fully establish its clinical significance, this variant meets criteria to be classified as likely pathogenic for autosomal dominant PALB2-related cancers. ACMG/AMP Criteria applied: PVS1, PM2_Supporting.

Myriad Genetics, Inc.
Classification: Pathogenic for Familial cancer of breast. Last evaluated: 2023-09-07. Review status: criteria provided, single submitter. Criteria: Myriad Autosomal Dominant, Autosomal Recessive and X-Linked Classification Criteria (2023). Collection method: clinical testing. Allele origin: unknown.
Comment: This variant is considered pathogenic. This variant creates a frameshift predicted to result in premature protein truncation.

Color Diagnostics, LLC DBA Color Health
Classification: Pathogenic for Hereditary cancer-predisposing syndrome. Last evaluated: 2022-08-29. Review status: criteria provided, single submitter. Criteria: ACMG Guidelines, 2015. Collection method: clinical testing. Allele origin: germline.
Comment: This variant inserts 1 nucleotide in exon 4 of the PALB2 gene, creating a frameshift and premature translation stop signal. This variant is expected to result in an absent or non-functional protein product. This variant has been reported in a breast cancer case-control study in 1/7051 cases and absent in 0/11241 unaffected individuals (PMID: 30287823). This variant has not been identified in the general population by the Genome Aggregation Database (gnomAD). Loss of PALB2 function is a known mechanism of disease. Based on the available evidence, this variant is classified as Pathogenic.

Cancer Genomics Group, Japanese Foundation For Cancer Research
Classification: Likely pathogenic for Hereditary breast and ovarian cancer syndrome. Last evaluated: 2019-05-01. Review status: criteria provided, single submitter. Criteria: ACMG Guidelines, 2015. Collection method: research. Allele origin: germline. Affected: yes.

Genesis Genomics
Classification: Likely pathogenic for Breast-ovarian cancer, familial, susceptibility to, 5. Review status: criteria provided, single submitter. Criteria: ACMG Guidelines, 2015. Collection method: clinical testing. Allele origin: germline. Affected: yes. Observed: 1 variant allele.

Leiden Open Variation Database
Classification: Pathogenic. Last evaluated: 2018-10-10. Review status: no assertion criteria provided. Collection method: curation. Allele origin: germline. Affected: yes. Not counted in ClinVar's aggregate classification.
Comment: Curators: Marc Tischkowitz, Arleen D. Auerbach. Submitter to LOVD: Yukihide Momozawa.

Literature cited by the submitters: PubMed 17200668 (cited by Labcorp Genetics (formerly Invitae), Labcorp); PubMed 17200671 (cited by Labcorp Genetics (formerly Invitae), Labcorp); PubMed 17200672 (cited by Labcorp Genetics (formerly Invitae), Labcorp); PubMed 24136930 (cited by Labcorp Genetics (formerly Invitae), Labcorp); PubMed 25099575 (cited by Labcorp Genetics (formerly Invitae), Labcorp); PubMed 30287823 (cited by 4 submitters); PubMed 32566746 (cited by Labcorp Genetics (formerly Invitae), Labcorp and Laboratory for Molecular Medicine, Mass General Brigham Personalized Medicine).

NM_024675.4(PALB2):c.820dup (p.Thr274fs)

Gene: PALB2 (partner and localizer of BRCA2; minus strand). Cytogenetic location: 16p12.2.
Variant type: Duplication.
Coding change: c.820dup on transcript NM_024675.4 (MANE Select); coding-DNA position 820, one base duplicated (A; older notation c.820dupA).
Protein change: p.Thr274fs; shifts the reading frame from threonine 274.
Molecular consequence: frameshift variant.
Genome position (GRCh38, 1-based): chr16:23,635,726, T duplicated on the plus strand (A on the coding strand, the reverse complement: PALB2 is on the minus strand). VCF-style (leftmost placement, unchanged base first): chr16-23635725-G-GT. GRCh37 (hg19) VCF-style: chr16-23647046-G-GT.
Other names: NM_024675.3:c.820dup; c.820dupA (NM_024675.3); short protein forms T274fs.
Identifiers: ClinVar variation 545758 (VCV000545758.18), dbSNP rs1555461611, ClinGen allele CA658824046.